The following is an entry in ClinVar:

NM_207361.6(FREM2):c.4527del (p.Gln1510fs)

Gene: FREM2 (FRAS1 related extracellular matrix 2; plus strand). Cytogenetic location: 13q13.3.
Variant type: Deletion.
Coding change: c.4527del on transcript NM_207361.6 (MANE Select); coding-DNA position 4527, one base deleted (T; older notation c.4527delT).
Protein change: p.Gln1510fs; shifts the reading frame from glutamine 1510.
Molecular consequence: frameshift variant.
Genome position (GRCh38, 1-based): chr13:38,691,871, T deleted; the last of 3 consecutive T bases (chr13:38,691,869-38,691,871); deleting any one gives the same sequence. VCF-style (leftmost placement, unchanged base first): chr13-38691868-GT-G. GRCh37 (hg19) VCF-style: chr13-39266005-GT-G.
Other names: short protein forms Q1510fs.
Identifiers: ClinVar variation 2724025 (VCV002724025.3), dbSNP rs34016629, ClinGen allele CA2697551807.

ClinVar aggregate classification (germline): Pathogenic (1 of 4 stars; one submission).

Submission:

Labcorp Genetics (formerly Invitae), Labcorp
Classification: Pathogenic. Last evaluated: 2023-06-22. Review status: criteria provided, single submitter. Criteria: Invitae Variant Classification Sherloc (09022015). Collection method: clinical testing. Allele origin: germline.
Comment: This sequence change creates a premature translational stop signal (p.Gln1510Lysfs*41) in the FREM2 gene. It is expected to result in an absent or disrupted protein product. Loss-of-function variants in FREM2 are known to be pathogenic (PMID: 18203166, 26552811). This variant is not present in population databases (gnomAD no frequency). This variant has not been reported in the literature in individuals affected with FREM2-related conditions. For these reasons, this variant has been classified as Pathogenic.

Literature cited by the submitters: PubMed 18203166; PubMed 26552811.